The following is an entry in ClinVar:

ClinVar aggregate classification (germline): Likely pathogenic (1 of 4 stars; one submission).

Submission:

GeneDx
Classification: Likely pathogenic. Last evaluated: 2017-08-23. Review status: criteria provided, single submitter. Criteria: GeneDx Variant Classification (06012015). Collection method: clinical testing. Allele origin: germline. Affected: yes.
Comment: A variant that is likely pathogenic has been identified in the NSD1 gene. The C1859R variant has not been published as a pathogenic variant, nor has it been reported as a benign variant to our knowledge. The C1859R variant is not observed in large population cohorts (Lek et al., 2016; 1000 Genomes Consortium et al., 2015; Exome Variant Server). The C1859R variant is a non-conservative amino acid substitution, which is likely to impact secondary protein structure as these residues differ in polarity, charge, size and/or other properties. This substitution occurs at a position that is conserved across species. In silico analysis predicts this variant is probably damaging to the protein structure/function. Missense variants at the same (C1895Y) and in nearby residues (C1897G/W) have been reported in the Human Gene Mutation Database in association with NSD1-related disorders (Stenson et al., 2014), supporting the functional importance of this region of the protein. Therefore, based on the currently available information, it is unclear whether this variant is a pathogenic variant or a rare benign variant.

NM_022455.5(NSD1):c.5683T>C (p.Cys1895Arg)

Gene: NSD1 (nuclear receptor binding SET domain protein 1; plus strand). Cytogenetic location: 5q35.3.
Variant type: single nucleotide variant.
Coding change: c.5683T>C on transcript NM_022455.5 (MANE Select); coding-DNA position 5683, T replaced by C.
Protein change: p.Cys1895Arg; replaces cysteine 1895 with arginine.
Molecular consequence: missense variant.
Genome position (GRCh38, 1-based): chr5:177,280,625, T>C. VCF-style: chr5-177280625-T-C. GRCh37 (hg19) VCF-style: chr5-176707626-T-C.
Other names: c.4810T>C, p.Cys1604Arg (NM_001365684.2, NM_001409308.1, NM_001409309.1 and 1 more transcripts); c.5683T>C, p.Cys1895Arg (NM_001409301.1, NM_001409302.1, NM_001409303.1); c.5263T>C, p.Cys1755Arg (NM_001409304.1); c.4930T>C, p.Cys1644Arg (NM_001409305.1); c.4921T>C, p.Cys1641Arg (NM_001409306.1, NM_001409307.1); short protein forms C1895R, C1626R, C1641R, C1755R, C1604R, C1644R.
Identifiers: ClinVar variation 451223 (VCV000451223.2), dbSNP rs1554204102, ClinGen allele CA362312342.